The following is an entry in ClinVar:

NM_152328.5(ADSS1):c.557T>C (p.Leu186Pro)

Gene: ADSS1 (adenylosuccinate synthase 1; plus strand). Cytogenetic location: 14q32.33.
Variant type: single nucleotide variant.
Coding change: c.557T>C on transcript NM_152328.5 (MANE Select); coding-DNA position 557, T replaced by C.
Protein change: p.Leu186Pro; replaces leucine 186 with proline.
Molecular consequence: missense variant. On other transcripts: 5 prime UTR variant (1).
Genome position (GRCh38, 1-based): chr14:104,740,681, T>C. VCF-style: chr14-104740681-T-C. GRCh37 (hg19) VCF-style: chr14-105207018-T-C.
Other names: c.-59T>C (NM_001320424.1); c.686T>C, p.Leu229Pro (NM_199165.2); c.686T>C (NM_199165.1); short protein forms L186P, L229P.
Identifiers: ClinVar variation 1681940 (VCV001681940.8), dbSNP rs375018442, ClinGen allele CA7373739.

ClinVar aggregate classification (germline): Uncertain significance. Review status: criteria provided, multiple submitters, no conflicts (2 of 4 stars). 2 submissions from 2 submitters: Uncertain significance (2). Last evaluated 2023-05-23.

Conditions:
Inborn genetic diseases. Identifiers: MedGen C0950123, MeSH D030342.

Allele frequency attached by ClinVar (database versions not stated): ExAC 0.00002; gnomAD 0.00003 and 0.00004; gnomAD exomes 0.00003 and 0.00004; ESP Exome Variant Server 0.00008.
gnomAD v4.1: 73 of 1,613,700 alleles (0.0045%); highest among the groups gnomAD compares: Non-Finnish European, 0.0053%; no homozygotes.

Submissions (2):

Labcorp Genetics (formerly Invitae), Labcorp
Classification: Uncertain significance. Last evaluated: 2023-05-23. Review status: criteria provided, single submitter. Criteria: Invitae Variant Classification Sherloc (09022015). Collection method: clinical testing. Allele origin: germline.
Comment: This sequence change replaces leucine, which is neutral and non-polar, with proline, which is neutral and non-polar, at codon 229 of the ADSSL1 protein (p.Leu229Pro). In summary, the available evidence is currently insufficient to determine the role of this variant in disease. Therefore, it has been classified as a Variant of Uncertain Significance. An algorithm developed to predict the effect of missense changes on protein structure and function (PolyPhen-2) suggests that this variant is likely to be disruptive. ClinVar contains an entry for this variant (Variation ID: 1681940). This variant has not been reported in the literature in individuals affected with ADSSL1-related conditions. This variant is present in population databases (rs375018442, gnomAD 0.005%).

Ambry Genetics
Classification: Uncertain significance for Inborn genetic diseases. Last evaluated: 2021-07-14. Review status: criteria provided, single submitter. Criteria: Ambry Variant Classification Scheme 2023. Collection method: clinical testing. Allele origin: germline.